The following is an entry in ClinVar:

NM_000350.3(ABCA4):c.1846G>A (p.Glu616Lys)

Gene: ABCA4 (ATP binding cassette subfamily A member 4; minus strand). Cytogenetic location: 1p22.1.
Variant type: single nucleotide variant.
Coding change: c.1846G>A on transcript NM_000350.3 (MANE Select); coding-DNA position 1846, G replaced by A.
Protein change: p.Glu616Lys; replaces glutamic acid 616 with lysine.
Molecular consequence: missense variant.
Genome position (GRCh38, 1-based): chr1:94,062,668, C>T on the plus strand (G>A on the coding strand, the complement: ABCA4 is on the minus strand). VCF-style: chr1-94062668-C-T. GRCh37 (hg19) VCF-style: chr1-94528224-C-T.
Other names: c.1846G>A, p.Glu616Lys (NM_001425324.1); short protein forms E616K.
Identifiers: ClinVar variation 801518 (VCV000801518.12), dbSNP rs1557787473, ClinGen allele CA341279484.
Genomic context (GRCh38, chr1:94,062,668, plus strand): 5'-GCTGGAGGTAGATTCCAACTGGAGCCTCCGCCTGCACCTGGCTCCTTGTGATCCCCTGTT[C>T]AACCATGTCCTGCAGATAGGCAAACCCGCCCCAGATGTACCGGAAATCTTCCACGGGATC-3'
Protein context (NP_000341.2, residues 606-626): GGFAYLQDMV[Glu616Lys]QGITRSQVQA

ClinVar aggregate classification (germline): Pathogenic/Likely pathogenic. Review status: criteria provided, multiple submitters, no conflicts (2 of 4 stars). 5 submissions from 5 submitters: Pathogenic (2); Likely pathogenic (2). 1 of the submissions does not count toward it. Last evaluated 2025-06-27.

Conditions:
Retinitis pigmentosa 19 (RP19). Also called: ABCA4-Related Retinitis Pigmentosa. Identifiers: Orphanet 791, MedGen C1866422, MONDO:0011137, OMIM 601718.
Stargardt disease (FFM). Also called: Stargardt's disease; Fundus flavimaculatus. Identifiers: Orphanet 827, MedGen C0271093, MONDO:0019353.
Severe early-childhood-onset retinal dystrophy (STGD1). Also called: Stargardt macular dystrophy; Juvenile onset macular degeneration; Stargardt disease 1; MACULAR DYSTROPHY WITH FLECKS, TYPE 1; STGD. Identifiers: Orphanet 364055, Orphanet 827, MedGen C1855465, MeSH D000080362, MONDO:0009549, OMIM 248200.

Allele frequency attached by ClinVar (database versions not stated): gnomAD exomes below 0.00001.
gnomAD v4.1: 1 of 1,614,186 alleles (0.000062%); highest among the groups gnomAD compares: Non-Finnish European, 0.000085%; no homozygotes.

Submissions (5):

Labcorp Genetics (formerly Invitae), Labcorp
Classification: Pathogenic. Last evaluated: 2025-06-27. Review status: criteria provided, single submitter. Criteria: Invitae Variant Classification Sherloc (09022015). Collection method: clinical testing. Allele origin: germline.
Comment: This sequence change replaces glutamic acid, which is acidic and polar, with lysine, which is basic and polar, at codon 616 of the ABCA4 protein (p.Glu616Lys). This variant is not present in population databases (gnomAD no frequency). This missense change has been observed in individuals with Stargardt disease (PMID: 19265867, 32307445). ClinVar contains an entry for this variant (Variation ID: 801518). Invitae Evidence Modeling of protein sequence and biophysical properties (such as structural, functional, and spatial information, amino acid conservation, physicochemical variation, residue mobility, and thermodynamic stability) indicates that this missense variant is expected to disrupt ABCA4 protein function with a positive predictive value of 95%. For these reasons, this variant has been classified as Pathogenic.

3billion
Classification: Likely pathogenic for Retinitis pigmentosa 19. Last evaluated: 2024-12-12. Review status: criteria provided, single submitter. Criteria: ACMG Guidelines, 2015. Collection method: clinical testing. Allele origin: germline. Affected: yes.
Comment: The variant is observed at an extremely low frequency in the gnomAD v4.1.0 dataset (total allele frequency: <0.001%). Predicted Consequence/Location: Missense variant In silico tool predictions suggest damaging effect of the variant on gene or gene product [REVEL: 0.94 (>=0.6, sensitivity 0.68 and specificity 0.92); 3Cnet: 0.67 (>=0.6, sensitivity 0.72 and precision 0.9)]. The same nucleotide change resulting in the same amino acid change has been previously reported as pathogenic/likely pathogenic with strong evidence (ClinVar ID: VCV000801518 /PMID: 19265867). The variant has been reported to be in trans with a pathogenic variant as either compound heterozygous or homozygous in at least one similarly affected unrelated individual (PMID: 19265867). Therefore, this variant is classified as Likely pathogenic according to the recommendation of ACMG/AMP guideline.

Institute of Medical Molecular Genetics, University of Zurich
Classification: Likely pathogenic for Severe early-childhood-onset retinal dystrophy. Last evaluated: 2021-01-30. Review status: criteria provided, single submitter. Criteria: ACMG Guidelines, 2015. Collection method: clinical testing. Allele origin: unknown. Affected: yes.

Mendelics
Classification: Pathogenic for Severe early-childhood-onset retinal dystrophy. Last evaluated: 2019-05-28. Review status: criteria provided, single submitter. Criteria: Mendelics Assertion Criteria 2017. Collection method: clinical testing. Allele origin: unknown.

Sharon lab, Hadassah-Hebrew University Medical Center
Classification: Likely pathogenic for Stargardt disease. Last evaluated: 2019-06-23. Review status: no assertion criteria provided. Collection method: research. Allele origin: inherited. Affected: yes. Not counted in ClinVar's aggregate classification.

Literature cited by the submitters: PubMed 19265867 (cited by Labcorp Genetics (formerly Invitae), Labcorp and 3billion); PubMed 32307445 (cited by Labcorp Genetics (formerly Invitae), Labcorp).